The following is an entry in ClinVar:

NM_024753.5(TTC21B):c.2886G>T (p.Met962Ile)

Gene: TTC21B (tetratricopeptide repeat domain 21B; minus strand). Cytogenetic location: 2q24.3.
Variant type: single nucleotide variant.
Coding change: c.2886G>T on transcript NM_024753.5 (MANE Select); coding-DNA position 2886, G replaced by T.
Protein change: p.Met962Ile; replaces methionine 962 with isoleucine.
Molecular consequence: missense variant.
Genome position (GRCh38, 1-based): chr2:165,898,750, C>A on the plus strand (G>T on the coding strand, the complement: TTC21B is on the minus strand). VCF-style: chr2-165898750-C-A. GRCh37 (hg19) VCF-style: chr2-166755260-C-A.
Other names: short protein forms M962I.
Identifiers: ClinVar variation 1967006 (VCV001967006.5), dbSNP rs1399576692, ClinGen allele CA349049806.

ClinVar aggregate classification (germline): Uncertain significance (1 of 4 stars; one submission).

Conditions:
Nephronophthisis. Also called: Juvenile Nephronophthisis. Identifiers: Orphanet 655, MedGen C0687120, MONDO:0019005, HP:0000090.
Jeune thoracic dystrophy. Also called: Jeune syndrome; Infantile thoracic dystrophy; Thoracic pelvic phalangeal dystrophy; Jeune's syndrome; Chondroectodermal dysplasia-like syndrome; Short-rib thoracic dysplasia. Identifiers: Orphanet 474, MedGen C0265275, MONDO:0018770.

Allele frequency attached by ClinVar (database versions not stated): gnomAD exomes below 0.00001; TOPMed below 0.00001; gnomAD 0.00001.
gnomAD v4.1: 3 of 1,612,440 alleles (0.00019%); highest among the groups gnomAD compares: Non-Finnish European, 0.00025%; no homozygotes.

Submission:

Labcorp Genetics (formerly Invitae), Labcorp
Classification: Uncertain significance for Jeune thoracic dystrophy; Nephronophthisis. Last evaluated: 2022-05-03. Review status: criteria provided, single submitter. Criteria: Invitae Variant Classification Sherloc (09022015). Collection method: clinical testing. Allele origin: germline.
Comment: In summary, the available evidence is currently insufficient to determine the role of this variant in disease. Therefore, it has been classified as a Variant of Uncertain Significance. Algorithms developed to predict the effect of sequence changes on RNA splicing suggest that this variant may create or strengthen a splice site. Algorithms developed to predict the effect of missense changes on protein structure and function (SIFT, PolyPhen-2, Align-GVGD) all suggest that this variant is likely to be tolerated. This variant has not been reported in the literature in individuals affected with TTC21B-related conditions. This variant is present in population databases (no rsID available, gnomAD 0.0009%). This sequence change replaces methionine, which is neutral and non-polar, with isoleucine, which is neutral and non-polar, at codon 962 of the TTC21B protein (p.Met962Ile).